The following is an entry in ClinVar:

ClinVar aggregate classification (germline): Uncertain significance (1 of 4 stars; one submission).

Conditions:
LOXHD1-related disorder. Also called: LOXHD1-related condition.

gnomAD v4.1: 100 of 1,551,464 alleles (0.0064%); highest among the groups gnomAD compares: South Asian, 0.11%; no homozygotes.

Submission:

PreventionGenetics, part of Exact Sciences
Classification: Uncertain significance for LOXHD1-related condition. Last evaluated: 2026-05-02. Review status: criteria provided, single submitter. Criteria: ACMG Guidelines, 2015. Collection method: clinical testing. Allele origin: germline.
Comment: The LOXHD1 c.742G>A variant is predicted to result in the amino acid substitution p.Gly248Ser. To our knowledge, this variant has not been reported in the literature. This variant is reported in 0.10% of alleles in individuals of South Asian descent in gnomAD. Although we suspect that this variant may be benign, at this time, the clinical significance of this variant is uncertain due to the absence of conclusive functional and genetic evidence.

NM_001384474.1(LOXHD1):c.742G>A (p.Gly248Ser)

Gene: LOXHD1 (lipoxygenase homology PLAT domains 1; minus strand). Cytogenetic location: 18q21.1.
Variant type: single nucleotide variant.
Coding change: c.742G>A on transcript NM_001384474.1 (MANE Select); coding-DNA position 742, G replaced by A.
Protein change: p.Gly248Ser; replaces glycine 248 with serine.
Molecular consequence: missense variant.
Genome position (GRCh38, 1-based): chr18:46,610,793, C>T on the plus strand (G>A on the coding strand, the complement: LOXHD1 is on the minus strand). VCF-style: chr18-46610793-C-T. GRCh37 (hg19) VCF-style: chr18-44190756-C-T.
Other names: c.742G>A, p.Gly248Ser (NM_144612.7); short protein forms G248S.
Identifiers: ClinVar variation 4998567 (VCV004998567.1).